The following is an entry in ClinVar:

ClinVar aggregate classification (germline): Pathogenic (1 of 4 stars; one submission).

Conditions:
BBS2-related ciliopathy. Identifiers: MedGen CN378634, MONDO:1040048.

Submission:

Myriad Genetics, Inc.
Classification: Pathogenic for BBS2-related ciliopathy. Last evaluated: 2023-09-27. Review status: criteria provided, single submitter. Criteria: Myriad Autosomal Dominant, Autosomal Recessive and X-Linked Classification Criteria (2023). Collection method: clinical testing. Allele origin: unknown.
Comment: NM_031885.3(BBS2):c.220dupG(A74Gfs*13) is expected to be pathogenic in the context of Bardet-Biedl syndrome, BBS2-related. This variant is predicted to lead to an abnormal or absent protein product due to the creation of a premature termination codon in BBS2, a gene where loss-of-function variants are known to be pathogenic. Please note: this variant was assessed in the context of healthy population screening.

NM_031885.5(BBS2):c.220dup (p.Ala74fs)

Gene: BBS2 (Bardet-Biedl syndrome 2; minus strand). Cytogenetic location: 16q13.
Variant type: Duplication.
Coding change: c.220dup on transcript NM_031885.5 (MANE Select); coding-DNA position 220, one base duplicated (G; older notation c.220dupG).
Protein change: p.Ala74fs; shifts the reading frame from alanine 74.
Molecular consequence: frameshift variant. On other transcripts: non-coding transcript variant (5).
Genome position (GRCh38, 1-based): chr16:56,514,578, C duplicated on the plus strand (G on the coding strand, the reverse complement: BBS2 is on the minus strand); the first of 2 consecutive C bases (chr16:56,514,578-56,514,579); duplicating either gives the same sequence. VCF-style (leftmost placement, unchanged base first): chr16-56514577-G-GC. GRCh37 (hg19) VCF-style: chr16-56548489-G-GC.
Other names: c.220dup, p.Ala74fs (NM_001377456.1); short protein forms A74fs.
Identifiers: ClinVar variation 5012214 (VCV005012214.1).